The following is an entry in ClinVar:

NM_153676.4(USH1C):c.191del (p.Pro64fs)

Gene: USH1C (USH1 protein network component harmonin; minus strand). Cytogenetic location: 11p15.1.
Variant type: Deletion.
Coding change: c.191del on transcript NM_153676.4 (MANE Select); coding-DNA position 191, one base deleted (C; older notation c.191delC).
Protein change: p.Pro64fs; shifts the reading frame from proline 64.
Molecular consequence: frameshift variant. On other transcripts: non-coding transcript variant (1).
Genome position (GRCh38, 1-based): chr11:17,531,456, G deleted on the plus strand (C on the coding strand, the reverse complement: USH1C is on the minus strand); the first of 2 consecutive G bases (chr11:17,531,456-17,531,457); deleting either gives the same sequence. VCF-style (leftmost placement, unchanged base first): chr11-17531455-CG-C. GRCh37 (hg19) VCF-style: chr11-17553002-CG-C.
Other names: c.191del, p.Pro64fs (NM_001297764.2, NM_005709.4); short protein forms P64fs.
Identifiers: ClinVar variation 850205 (VCV000850205.8), dbSNP rs1850976904, ClinGen allele CA916083239.

ClinVar aggregate classification (germline): Pathogenic (1 of 4 stars; one submission).

Submission:

Labcorp Genetics (formerly Invitae), Labcorp
Classification: Pathogenic. Last evaluated: 2019-12-12. Review status: criteria provided, single submitter. Criteria: Invitae Variant Classification Sherloc (09022015). Collection method: clinical testing. Allele origin: germline.
Comment: For these reasons, this variant has been classified as Pathogenic. Loss-of-function variants in USH1C are known to be pathogenic (PMID: 10973247, 17407589, 20301442, 21203349). This variant has not been reported in the literature in individuals with USH1C-related conditions. This variant is not present in population databases (ExAC no frequency). This sequence change creates a premature translational stop signal (p.Pro64Argfs*2) in the USH1C gene. It is expected to result in an absent or disrupted protein product.

Literature cited by the submitters: PubMed 10973247; PubMed 17407589; PubMed 20301442; PubMed 21203349.